The following is an entry in ClinVar:

NM_022168.4(IFIH1):c.2682G>A (p.Lys894=)

Gene: IFIH1 (interferon induced with helicase C domain 1; minus strand). Cytogenetic location: 2q24.2.
Variant type: single nucleotide variant.
Coding change: c.2682G>A on transcript NM_022168.4 (MANE Select); coding-DNA position 2682, G replaced by A.
Protein change: p.Lys894=; no amino-acid change (lysine 894 retained).
Molecular consequence: synonymous variant.
Genome position (GRCh38, 1-based): chr2:162,268,212, C>T on the plus strand (G>A on the coding strand, the complement: IFIH1 is on the minus strand). VCF-style: chr2-162268212-C-T. GRCh37 (hg19) VCF-style: chr2-163124722-C-T.
Identifiers: ClinVar variation 703947 (VCV000703947.37), dbSNP rs374488772, ClinGen allele CA1934099.

ClinVar aggregate classification (germline): Benign/Likely benign. Review status: criteria provided, multiple submitters, no conflicts (2 of 4 stars). 5 submissions from 5 submitters: Benign (1); Likely benign (2). 2 of the submissions do not count toward it. Last evaluated 2026-02-01.

Conditions:
Aicardi-Goutieres syndrome 7 (AGS7). Identifiers: Orphanet 51, MedGen C3888244, MONDO:0014367, OMIM 615846.
Singleton-Merten syndrome 1 (SGMRT1). Also called: Widened medullary cavities of bone, aortic calcification, abnormal dentition, and muscular weakness; Syndrome of widened medullary cavities of the metacarpals and phalanges, aortic calcification and abnormal dentition. Identifiers: Orphanet 85191, MedGen C4225427, MONDO:0024535, OMIM 182250.

Allele frequency attached by ClinVar (database versions not stated): ESP Exome Variant Server 0.00015; TOPMed 0.00015; ExAC 0.00016; gnomAD 0.00016 and 0.00019; gnomAD exomes 0.00019 and 0.00031.
gnomAD v4.1: 472 of 1,612,570 alleles (0.029%); highest among the groups gnomAD compares: Non-Finnish European, 0.039%; 1 homozygote.

Submissions (5):

Labcorp Genetics (formerly Invitae), Labcorp
Classification: Benign for Aicardi-Goutieres syndrome 7; Singleton-Merten syndrome 1. Last evaluated: 2026-02-01. Review status: criteria provided, single submitter. Criteria: Invitae Variant Classification Sherloc (09022015). Collection method: clinical testing. Allele origin: germline.

CeGaT Center for Human Genetics Tuebingen
Classification: Likely benign. Last evaluated: 2024-12-01. Review status: criteria provided, single submitter. Criteria: CeGaT Center For Human Genetics Tuebingen Variant Classification Criteria Version 2. Collection method: clinical testing. Allele origin: germline. Affected: yes. Observed: 2 variant alleles.
Comment: IFIH1: BP4, BP7

Blueprint Genetics
Classification: Likely benign. Last evaluated: 2024-10-22. Review status: criteria provided, single submitter. Criteria: ACMG Guidelines, 2015. Collection method: clinical testing. Allele origin: germline.

Clinical Genetics DNA and cytogenetics Diagnostics Lab, Erasmus MC, Erasmus Medical Center
Classification: Likely benign. Review status: no assertion criteria provided. Collection method: clinical testing. Allele origin: germline. Affected: yes. Study: VKGL Data-share Consensus. Not counted in ClinVar's aggregate classification.

Genome Diagnostics Laboratory, University Medical Center Utrecht
Classification: Likely benign. Review status: no assertion criteria provided. Collection method: clinical testing. Allele origin: germline. Affected: yes. Study: VKGL Data-share Consensus. Not counted in ClinVar's aggregate classification.